The following is an entry in ClinVar:

ClinVar aggregate classification (germline): Uncertain significance. Review status: criteria provided, multiple submitters, no conflicts (2 of 4 stars). 6 submissions from 6 submitters: Uncertain significance (5). 1 of the submissions does not count toward it. Last evaluated 2025-12-19.

Conditions:
Familial adenomatous polyposis 1 (FAP1). Also called: FAMILIAL ADENOMATOUS POLYPOSIS 1, ATTENUATED; POLYPOSIS, ADENOMATOUS INTESTINAL. Identifiers: MedGen C2713442, MONDO:0021056, OMIM 175100. Disease mechanism: loss of function.
Classic or attenuated familial adenomatous polyposis. Identifiers: MedGen CN372698, MONDO:0021057.
Hereditary cancer-predisposing syndrome. Also called: Tumor predisposition; Hereditary Cancer Syndrome; Neoplastic Syndromes, Hereditary; Hereditary neoplastic syndrome. Identifiers: Orphanet 140162, MedGen C0027672, MeSH D009386, MONDO:0015356.
Neoplasm of the liver. Identifiers: MedGen C0023903, HP:0002896.

Allele frequency attached by ClinVar (database versions not stated): gnomAD exomes below 0.00001.
gnomAD v4.1: 1 of 1,600,552 alleles (0.000062%); highest among the groups gnomAD compares: South Asian, 0.0011%; no homozygotes.

Submissions (6):

Ambry Genetics
Classification: Uncertain significance for Hereditary cancer-predisposing syndrome. Last evaluated: 2025-12-19. Review status: criteria provided, single submitter. Criteria: Ambry Variant Classification Scheme 2023. Collection method: clinical testing. Allele origin: germline.
Comment: The p.S2799L variant (also known as c.8396C>T), located in coding exon 15 of the APC gene, results from a C to T substitution at nucleotide position 8396. The serine at codon 2799 is replaced by leucine, an amino acid with dissimilar properties. This amino acid position is well conserved in available vertebrate species. In addition, in silico predictors for this gene do not accurately predict pathogenicity. Missense alterations in APC are not a common cause of disease (Spier I et al. Genet Med. 2024 Feb;26(2):100992). Based on the available evidence, the clinical significance of this variant remains unclear.

Labcorp Genetics (formerly Invitae), Labcorp
Classification: Uncertain significance for Familial adenomatous polyposis 1. Last evaluated: 2025-04-14. Review status: criteria provided, single submitter. Criteria: Invitae Variant Classification Sherloc (09022015). Collection method: clinical testing. Allele origin: germline.
Comment: This sequence change replaces serine, which is neutral and polar, with leucine, which is neutral and non-polar, at codon 2799 of the APC protein (p.Ser2799Leu). This variant is not present in population databases (gnomAD no frequency). This variant has not been reported in the literature in individuals affected with APC-related conditions. ClinVar contains an entry for this variant (Variation ID: 489506). Invitae Evidence Modeling of protein sequence and biophysical properties (such as structural, functional, and spatial information, amino acid conservation, physicochemical variation, residue mobility, and thermodynamic stability) indicates that this missense variant is not expected to disrupt APC protein function with a negative predictive value of 95%. In summary, the available evidence is currently insufficient to determine the role of this variant in disease. Therefore, it has been classified as a Variant of Uncertain Significance.

Color Diagnostics, LLC DBA Color Health
Classification: Uncertain significance for Hereditary cancer-predisposing syndrome. Last evaluated: 2024-03-06. Review status: criteria provided, single submitter. Criteria: ACMG Guidelines, 2015. Collection method: clinical testing. Allele origin: germline.
Comment: This missense variant replaces serine with leucine at codon 2799 of the APC protein. Computational prediction suggests that this variant may not impact protein structure and function (internally defined REVEL score threshold <= 0.5, PMID: 27666373). To our knowledge, functional studies have not been reported for this variant. This variant has not been reported in individuals affected with hereditary cancer in the literature. This variant has not been identified in the general population by the Genome Aggregation Database (gnomAD). The available evidence is insufficient to determine the role of this variant in disease conclusively. Therefore, this variant is classified as a Variant of Uncertain Significance.

All of Us Research Program, National Institutes of Health
Classification: Uncertain significance for Classic or attenuated familial adenomatous polyposis. Last evaluated: 2023-09-05. Review status: criteria provided, single submitter. Criteria: ACMG Guidelines, 2015. Collection method: clinical testing. Allele origin: germline. Inheritance: Autosomal dominant inheritance. Observed: 1 variant allele, 1 heterozygote.
Comment: This missense variant replaces serine with leucine at codon 2799 of the APC protein. Computational prediction suggests that this variant may not impact protein structure and function (internally defined REVEL score threshold <= 0.5, PMID: 27666373). To our knowledge, functional studies have not been reported for this variant. This variant has not been reported in individuals affected with hereditary cancer in the literature. This variant has not been identified in the general population by the Genome Aggregation Database (gnomAD). The available evidence is insufficient to determine the role of this variant in disease conclusively. Therefore, this variant is classified as a Variant of Uncertain Significance.

This study involves interpretation of variants in research participants for the purpose of population health screening. Participant phenotype was not available at the time of variant classification. Additional details can be found in publication PMID: 35346344, PMCID: PMC8962531

GeneDx
Classification: Uncertain significance. Last evaluated: 2021-06-25. Review status: criteria provided, single submitter. Criteria: GeneDx Variant Classification Process June 2021. Collection method: clinical testing. Allele origin: germline. Affected: yes.
Comment: Not observed at significant frequency in large population cohorts (Lek et al., 2016); In silico analysis supports that this missense variant does not alter protein structure/function; Has not been previously published as pathogenic or benign to our knowledge; This variant is associated with the following publications: (PMID: 27535533, 18199528)

3DMed Clinical Laboratory Inc
Classification: Uncertain significance for Neoplasm of the liver. Last evaluated: 2017-08-28. Review status: no assertion criteria provided. Criteria: ACMG Guidelines, 2015. Collection method: clinical testing. Allele origin: germline. Affected: yes. Not counted in ClinVar's aggregate classification.

NM_000038.6(APC):c.8396C>T (p.Ser2799Leu)

Gene: APC (APC regulator of Wnt signaling pathway; plus strand). Cytogenetic location: 5q22.2.
Variant type: single nucleotide variant.
Coding change: c.8396C>T on transcript NM_000038.6 (MANE Select); coding-DNA position 8396, C replaced by T.
Protein change: p.Ser2799Leu; replaces serine 2799 with leucine.
Molecular consequence: missense variant.
Genome position (GRCh38, 1-based): chr5:112,843,990, C>T. VCF-style: chr5-112843990-C-T. GRCh37 (hg19) VCF-style: chr5-112179687-C-T.
Other names: c.8396C>T, p.Ser2799Leu (NM_001127510.3, NM_001354895.2); c.8342C>T, p.Ser2781Leu (NM_001127511.3); c.8450C>T, p.Ser2817Leu (NM_001354896.2); c.8426C>T, p.Ser2809Leu (NM_001354897.2); c.8321C>T, p.Ser2774Leu (NM_001354898.2); c.8312C>T, p.Ser2771Leu (NM_001354899.2); c.8273C>T, p.Ser2758Leu (NM_001354900.2); c.8219C>T, p.Ser2740Leu (NM_001354901.2); and 5 more; short protein forms S2781L, S2799L, S2639L, S2708L, S2740L, S2771L, S2817L, S2516L.
Identifiers: ClinVar variation 489506 (VCV000489506.24), dbSNP rs1554089094, ClinGen allele CA16039557.
Genomic context (GRCh38, chr5:112,843,990, plus strand): 5'-CCAGAGTGACTCCTTTTAATTACAACCCAAGCCCTAGGAAAAGCAGCGCAGATAGCACTT[C>T]AGCTCGGCCATCTCAGATCCCAACTCCAGTGAATAACAACACAAAGAAGCGAGATTCCAA-3'
Protein context (NP_000029.2, residues 2789-2809): SPRKSSADST[Ser2799Leu]ARPSQIPTPV